The following is an entry in ClinVar:

ClinVar aggregate classification (germline): Uncertain significance (1 of 4 stars; one submission).

Allele frequency attached by ClinVar (database versions not stated): gnomAD exomes below 0.00001; TOPMed below 0.00001; ExAC 0.00001.

Submission:

Labcorp Genetics (formerly Invitae), Labcorp
Classification: Uncertain significance. Last evaluated: 2023-12-18. Review status: criteria provided, single submitter. Criteria: Invitae Variant Classification Sherloc (09022015). Collection method: clinical testing. Allele origin: germline.
Comment: This sequence change replaces glutamine, which is neutral and polar, with histidine, which is basic and polar, at codon 1676 of the GPR179 protein (p.Gln1676His). This variant is not present in population databases (gnomAD no frequency). This variant has not been reported in the literature in individuals affected with GPR179-related conditions. ClinVar contains an entry for this variant (Variation ID: 1468839). Algorithms developed to predict the effect of missense changes on protein structure and function output the following: SIFT: "Not Available"; PolyPhen-2: "Benign"; Align-GVGD: "Not Available". The histidine amino acid residue is found in multiple mammalian species, which suggests that this missense change does not adversely affect protein function. In summary, the available evidence is currently insufficient to determine the role of this variant in disease. Therefore, it has been classified as a Variant of Uncertain Significance.

NM_001004334.4(GPR179):c.5028G>C (p.Gln1676His)

Gene: GPR179 (G protein-coupled receptor 179; minus strand). Cytogenetic location: 17q12.
Variant type: single nucleotide variant.
Coding change: c.5028G>C on transcript NM_001004334.4 (MANE Select); coding-DNA position 5028, G replaced by C.
Protein change: p.Gln1676His; replaces glutamine 1676 with histidine.
Molecular consequence: missense variant.
Genome position (GRCh38, 1-based): chr17:38,328,541, C>G on the plus strand (G>C on the coding strand, the complement: GPR179 is on the minus strand). VCF-style: chr17-38328541-C-G. GRCh37 (hg19) VCF-style: chr17-36484424-C-G.
Other names: short protein forms Q1676H.
Identifiers: ClinVar variation 1468839 (VCV001468839.8), dbSNP rs766580288, ClinGen allele CA290103789.